The following is an entry in ClinVar:

ClinVar aggregate classification (germline): Uncertain significance (1 of 4 stars; one submission).

gnomAD v4.1: 1 of 1,609,576 alleles (0.000062%); highest among the groups gnomAD compares: Non-Finnish European, 0.000085%; no homozygotes.

Submission:

Ambry Genetics
Classification: Uncertain significance. Last evaluated: 2025-12-16. Review status: criteria provided, single submitter. Criteria: Ambry Variant Classification Scheme 2023. Collection method: clinical testing. Allele origin: germline.
Comment: The p.E1351Q variant (also known as c.4051G>C), located in coding exon 27 of the MYOM1 gene, results from a G to C substitution at nucleotide position 4051. The glutamic acid at codon 1351 is replaced by glutamine, an amino acid with highly similar properties. This amino acid position is conserved. In addition, the in silico prediction for this alteration is inconclusive. Based on the available evidence, the clinical significance of this variant remains unclear.

NM_003803.4(MYOM1):c.4051G>C (p.Glu1351Gln)

Gene: MYOM1 (myomesin 1; minus strand). Cytogenetic location: 18p11.31.
Variant type: single nucleotide variant.
Coding change: c.4051G>C on transcript NM_003803.4 (MANE Select); coding-DNA position 4051, G replaced by C.
Protein change: p.Glu1351Gln; replaces glutamic acid 1351 with glutamine.
Molecular consequence: missense variant.
Genome position (GRCh38, 1-based): chr18:3,089,555, C>G on the plus strand (G>C on the coding strand, the complement: MYOM1 is on the minus strand). VCF-style: chr18-3089555-C-G. GRCh37 (hg19) VCF-style: chr18-3089553-C-G.
Other names: c.3763G>C, p.Glu1255Gln (NM_019856.2); short protein forms E1255Q, E1351Q.
Identifiers: ClinVar variation 4555395 (VCV004555395.2).